The following is an entry in ClinVar:

ClinVar aggregate classification (germline): Uncertain significance. Review status: criteria provided, multiple submitters, no conflicts (2 of 4 stars). 2 submissions from 2 submitters: Uncertain significance (2). Last evaluated 2024-06-28.

Allele frequency attached by ClinVar (database versions not stated): gnomAD exomes 0.00004; TOPMed 0.00004; gnomAD 0.00006; ExAC 0.00007.
gnomAD v4.1: 74 of 1,613,008 alleles (0.0046%); highest among the groups gnomAD compares: Middle Eastern, 0.017%; no homozygotes.

Submissions (2):

Ambry Genetics
Classification: Uncertain significance. Last evaluated: 2024-06-28. Review status: criteria provided, single submitter. Criteria: Ambry Variant Classification Scheme 2023. Collection method: clinical testing. Allele origin: germline.

Labcorp Genetics (formerly Invitae), Labcorp
Classification: Uncertain significance. Last evaluated: 2022-07-02. Review status: criteria provided, single submitter. Criteria: Invitae Variant Classification Sherloc (09022015). Collection method: clinical testing. Allele origin: germline.
Comment: This sequence change replaces arginine, which is basic and polar, with cysteine, which is neutral and slightly polar, at codon 1770 of the SBF1 protein (p.Arg1770Cys). This variant is present in population databases (rs765474294, gnomAD 0.01%). This variant has not been reported in the literature in individuals affected with SBF1-related conditions. Algorithms developed to predict the effect of missense changes on protein structure and function are either unavailable or do not agree on the potential impact of this missense change (SIFT: "Deleterious"; PolyPhen-2: "Probably Damaging"; Align-GVGD: "Class C0"). In summary, the available evidence is currently insufficient to determine the role of this variant in disease. Therefore, it has been classified as a Variant of Uncertain Significance.

NM_002972.4(SBF1):c.5308C>T (p.Arg1770Cys)

Gene: SBF1 (SET binding factor 1; minus strand). Cytogenetic location: 22q13.33.
Variant type: single nucleotide variant.
Coding change: c.5308C>T on transcript NM_002972.4 (MANE Select); coding-DNA position 5308, C replaced by T.
Protein change: p.Arg1770Cys; replaces arginine 1770 with cysteine.
Molecular consequence: missense variant.
Genome position (GRCh38, 1-based): chr22:50,448,288, G>A on the plus strand (C>T on the coding strand, the complement: SBF1 is on the minus strand). VCF-style: chr22-50448288-G-A. GRCh37 (hg19) VCF-style: chr22-50886717-G-A.
Other names: c.5233C>T, p.Arg1745Cys (NM_001365819.1); c.5311C>T, p.Arg1771Cys (NM_001410794.1); c.5230C>T, p.Arg1744Cys (NM_001410795.1); c.5308C>T, p.Arg1770Cys (NM_197971.1); c.5308C>T (NM_002972.2); short protein forms R1745C, R1770C, R1771C, R1744C.
Identifiers: ClinVar variation 1988986 (VCV001988986.2), dbSNP rs765474294, ClinGen allele CA10315902.